The following is an entry in ClinVar:

ClinVar aggregate classification (germline): Uncertain significance (1 of 4 stars; one submission).

Submission:

Labcorp Genetics (formerly Invitae), Labcorp
Classification: Uncertain significance. Last evaluated: 2023-04-22. Review status: criteria provided, single submitter. Criteria: Invitae Variant Classification Sherloc (09022015). Collection method: clinical testing. Allele origin: germline.
Comment: In summary, the available evidence is currently insufficient to determine the role of this variant in disease. Therefore, it has been classified as a Variant of Uncertain Significance. This sequence change replaces valine, which is neutral and non-polar, with isoleucine, which is neutral and non-polar, at codon 294 of the NFKB1 protein (p.Val294Ile). This variant is not present in population databases (gnomAD no frequency). This variant has not been reported in the literature in individuals affected with NFKB1-related conditions. Algorithms developed to predict the effect of missense changes on protein structure and function output the following: SIFT: "Not Available"; PolyPhen-2: "Benign"; Align-GVGD: "Not Available". The isoleucine amino acid residue is found in multiple mammalian species, which suggests that this missense change does not adversely affect protein function.

NM_003998.4(NFKB1):c.880G>A (p.Val294Ile)

Gene: NFKB1 (nuclear factor kappa B subunit 1; plus strand). Cytogenetic location: 4q24.
Variant type: single nucleotide variant.
Coding change: c.880G>A on transcript NM_003998.4 (MANE Select); coding-DNA position 880, G replaced by A.
Protein change: p.Val294Ile; replaces valine 294 with isoleucine.
Molecular consequence: missense variant.
Genome position (GRCh38, 1-based): chr4:102,582,910, G>A. VCF-style: chr4-102582910-G-A. GRCh37 (hg19) VCF-style: chr4-103504067-G-A.
Other names: c.877G>A, p.Val293Ile (NM_001165412.2, NM_001319226.2, NM_001382627.1); c.880G>A, p.Val294Ile (NM_001382625.1, NM_001382626.1); c.838G>A, p.Val280Ile (NM_001382628.1); short protein forms V280I, V294I, V293I.
Identifiers: ClinVar variation 3004435 (VCV003004435.3), dbSNP rs2476435879, ClinGen allele CA357960588.